The following is an entry in ClinVar:

NM_030957.4(ADAMTS10):c.3244C>G (p.Leu1082Val)

Gene: ADAMTS10 (ADAM metallopeptidase with thrombospondin type 1 motif 10; minus strand). Cytogenetic location: 19p13.2.
Variant type: single nucleotide variant.
Coding change: c.3244C>G on transcript NM_030957.4 (MANE Select); coding-DNA position 3244, C replaced by G.
Protein change: p.Leu1082Val; replaces leucine 1082 with valine.
Molecular consequence: missense variant.
Genome position (GRCh38, 1-based): chr19:8,580,961, G>C on the plus strand (C>G on the coding strand, the complement: ADAMTS10 is on the minus strand). VCF-style: chr19-8580961-G-C. GRCh37 (hg19) VCF-style: chr19-8645845-G-C.
Other names: c.1705C>G, p.Leu569Val (NM_001282352.2); short protein forms L1082V, L569V.
Identifiers: ClinVar variation 1408887 (VCV001408887.6), dbSNP rs2042337704, ClinGen allele CA403747930.

ClinVar aggregate classification (germline): Uncertain significance (1 of 4 stars; one submission).

Submission:

Labcorp Genetics (formerly Invitae), Labcorp
Classification: Uncertain significance. Last evaluated: 2025-06-09. Review status: criteria provided, single submitter. Criteria: Invitae Variant Classification Sherloc (09022015). Collection method: clinical testing. Allele origin: germline.
Comment: This sequence change replaces leucine, which is neutral and non-polar, with valine, which is neutral and non-polar, at codon 1082 of the ADAMTS10 protein (p.Leu1082Val). This variant is not present in population databases (gnomAD no frequency). This variant has not been reported in the literature in individuals affected with ADAMTS10-related conditions. ClinVar contains an entry for this variant (Variation ID: 1408887). An algorithm developed to predict the effect of missense changes on protein structure and function (PolyPhen-2) suggests that this variant is likely to be disruptive. In summary, the available evidence is currently insufficient to determine the role of this variant in disease. Therefore, it has been classified as a Variant of Uncertain Significance.